The following is an entry in ClinVar:

NM_002691.4(POLD1):c.3266T>C (p.Leu1089Pro)

Gene: POLD1 (DNA polymerase delta 1, catalytic subunit; plus strand). Cytogenetic location: 19q13.33.
Variant type: single nucleotide variant.
Coding change: c.3266T>C on transcript NM_002691.4 (MANE Select); coding-DNA position 3266, T replaced by C.
Protein change: p.Leu1089Pro; replaces leucine 1089 with proline.
Molecular consequence: missense variant. On other transcripts: non-coding transcript variant (1).
Genome position (GRCh38, 1-based): chr19:50,417,889, T>C. VCF-style: chr19-50417889-T-C. GRCh37 (hg19) VCF-style: chr19-50921146-T-C.
Other names: c.3266T>C, p.Leu1089Pro (NM_001256849.1, NM_001438212.1, NM_001438213.1); c.3344T>C, p.Leu1115Pro (NM_001308632.1); c.3194T>C, p.Leu1065Pro (NM_001438210.1, NM_001438211.1); short protein forms L1065P, L1089P, L1115P.
Identifiers: ClinVar variation 4862208 (VCV004862208.1).

ClinVar aggregate classification (germline): Uncertain significance (1 of 4 stars; one submission).

Conditions:
Hereditary cancer-predisposing syndrome. Also called: Neoplastic Syndromes, Hereditary; Tumor predisposition; Hereditary Cancer Syndrome; Hereditary neoplastic syndrome. Identifiers: Orphanet 140162, MedGen C0027672, MeSH D009386, MONDO:0015356.

Submission:

Ambry Genetics
Classification: Uncertain significance for Hereditary cancer-predisposing syndrome. Last evaluated: 2026-06-02. Review status: criteria provided, single submitter. Criteria: Ambry Variant Classification Scheme 2023. Collection method: clinical testing. Allele origin: germline.
Comment: The p.L1089P variant (also known as c.3266T>C), located in coding exon 26 of the POLD1 gene, results from a T to C substitution at nucleotide position 3266. The leucine at codon 1089 is replaced by proline, an amino acid with similar properties. This amino acid position is conserved. In addition, the in silico prediction for this alteration is inconclusive. Based on the available evidence, the clinical significance of this variant remains unclear.